The following is an entry in ClinVar:

ClinVar aggregate classification (germline): Pathogenic (1 of 4 stars; one submission).

Submission:

Labcorp Genetics (formerly Invitae), Labcorp
Classification: Pathogenic. Last evaluated: 2025-07-13. Review status: criteria provided, single submitter. Criteria: Invitae Variant Classification Sherloc (09022015). Collection method: clinical testing. Allele origin: germline.
Comment: This sequence change creates a premature translational stop signal (p.Arg4168Thrfs*4) in the PCLO gene. It is expected to result in an absent or disrupted protein product. Loss-of-function variants in PCLO are known to be pathogenic (PMID: 25832664, 30287594). This variant is not present in population databases (gnomAD no frequency). This variant has not been reported in the literature in individuals affected with PCLO-related conditions. For these reasons, this variant has been classified as Pathogenic.

Literature cited by the submitters: PubMed 25832664; PubMed 30287594.

NM_033026.6(PCLO):c.12503_12504del (p.Arg4168fs)

Gene: PCLO (piccolo presynaptic cytomatrix protein; minus strand). Cytogenetic location: 7q21.11.
Variant type: Deletion.
Coding change: c.12503_12504del on transcript NM_033026.6 (MANE Select); coding-DNA positions 12503 to 12504, 2 bases deleted (GA; older notation c.12503_12504delGA).
Protein change: p.Arg4168fs; shifts the reading frame from arginine 4168.
Molecular consequence: frameshift variant.
Genome position (GRCh38, 1-based): chr7:82,915,482-82,915,483, TC deleted on the plus strand (GA on the coding strand, the reverse complement: PCLO is on the minus strand); deleting any 2 consecutive bases within chr7:82,915,482-82,915,484 gives the same sequence; the c. name uses the placement nearest the transcript's 3' end. VCF-style (leftmost placement, unchanged base first): chr7-82915481-GTC-G. GRCh37 (hg19) VCF-style: chr7-82544797-GTC-G.
Other names: c.12503_12504del, p.Arg4168fs (NM_014510.3); short protein forms R4168fs.
Identifiers: ClinVar variation 4723036 (VCV004723036.1).